The following is an entry in ClinVar:

NM_145046.5(CALR3):c.601A>C (p.Asn201His)

Gene: CALR3 (calreticulin 3; minus strand). Cytogenetic location: 19p13.11.
Variant type: single nucleotide variant.
Coding change: c.601A>C on transcript NM_145046.5 (MANE Select); coding-DNA position 601, A replaced by C.
Protein change: p.Asn201His; replaces asparagine 201 with histidine.
Molecular consequence: missense variant.
Genome position (GRCh38, 1-based): chr19:16,484,007, T>G on the plus strand (A>C on the coding strand, the complement: CALR3 is on the minus strand). VCF-style: chr19-16484007-T-G. GRCh37 (hg19) VCF-style: chr19-16594818-T-G.
Other names: short protein forms N201H.
Identifiers: ClinVar variation 2766127 (VCV002766127.3), dbSNP rs775484097, ClinGen allele CA9278344.

ClinVar aggregate classification (germline): Uncertain significance (1 of 4 stars; one submission).

Conditions:
Hypertrophic cardiomyopathy 19. Also called: Familial hypertrophic cardiomyopathy 19. Identifiers: MedGen CN077603, MONDO:0013476.

Allele frequency attached by ClinVar (database versions not stated): gnomAD exomes below 0.00001; ExAC 0.00001.
gnomAD v4.1: 1 of 1,614,068 alleles (0.000062%); highest among the groups gnomAD compares: African/African-American, 0.0013%; no homozygotes.

Submission:

Labcorp Genetics (formerly Invitae), Labcorp
Classification: Uncertain significance for Hypertrophic cardiomyopathy 19. Last evaluated: 2023-07-16. Review status: criteria provided, single submitter. Criteria: Invitae Variant Classification Sherloc (09022015). Collection method: clinical testing. Allele origin: germline.
Comment: This variant has not been reported in the literature in individuals affected with CALR3-related conditions. In summary, the available evidence is currently insufficient to determine the role of this variant in disease. Therefore, it has been classified as a Variant of Uncertain Significance. Advanced modeling of protein sequence and biophysical properties (such as structural, functional, and spatial information, amino acid conservation, physicochemical variation, residue mobility, and thermodynamic stability) performed at Invitae indicates that this missense variant is not expected to disrupt CALR3 protein function. This variant is present in population databases (rs775484097, gnomAD 0.007%). This sequence change replaces asparagine, which is neutral and polar, with histidine, which is basic and polar, at codon 201 of the CALR3 protein (p.Asn201His).